The following is an entry in ClinVar:

ClinVar aggregate classification (germline): Uncertain significance (1 of 4 stars; one submission).

Conditions:
Ritscher-Schinzel syndrome. Also called: CRANIOCEREBELLOCARDIAC DYSPLASIA. Identifiers: Orphanet 7, MedGen C0796137, MONDO:0019078.
Hereditary spastic paraplegia 8 (SPG8). Also called: SPASTIC PARAPLEGIA 8, AUTOSOMAL DOMINANT. Identifiers: Orphanet 100989, MedGen C1863704, MONDO:0011339, OMIM 603563.

Submission:

Labcorp Genetics (formerly Invitae), Labcorp
Classification: Uncertain significance for Ritscher-Schinzel syndrome; Hereditary spastic paraplegia 8. Last evaluated: 2026-01-23. Review status: criteria provided, single submitter. Criteria: Invitae Variant Classification Sherloc (09022015). Collection method: clinical testing. Allele origin: germline.
Comment: This sequence change falls in intron 6 of the WASHC5 gene. It does not directly change the encoded amino acid sequence of the WASHC5 protein. It affects a nucleotide within the consensus splice site. This variant is present in population databases (rs762035924, gnomAD 0.03%). This variant has not been reported in the literature in individuals affected with WASHC5-related conditions. Variants that disrupt the consensus splice site are a relatively common cause of aberrant splicing (PMID: 17576681, 9536098). Algorithms developed to predict the effect of sequence changes on RNA splicing suggest that this variant is not likely to affect RNA splicing. In summary, the available evidence is currently insufficient to determine the role of this variant in disease. Therefore, it has been classified as a Variant of Uncertain Significance.

Literature cited by the submitters: PubMed 17576681; PubMed 9536098.

NM_014846.4(WASHC5):c.711+3G>A

Gene: WASHC5 (WASH complex subunit 5; minus strand). Cytogenetic location: 8q24.13.
Variant type: single nucleotide variant.
Coding change: c.711+3G>A on transcript NM_014846.4 (MANE Select); 3 bases into the intron after coding-DNA position 711, G replaced by A.
Molecular consequence: intron variant.
Genome position (GRCh38, 1-based): chr8:125,078,735, C>T on the plus strand (G>A on the coding strand, the complement: WASHC5 is on the minus strand). VCF-style: chr8-125078735-C-T. GRCh37 (hg19) VCF-style: chr8-126090977-C-T.
Other names: c.267+3G>A (NM_001330609.2).
Identifiers: ClinVar variation 4787453 (VCV004787453.1).